The following is an entry in ClinVar:

ClinVar aggregate classification (germline): Uncertain significance (1 of 4 stars; one submission).

Conditions:
TP63-related disorder. Also called: TP63-related condition; TP63-Related Disorders. Identifiers: MedGen CN380159.

gnomAD v4.1: 2 of 152,108 alleles (0.0013%); highest among the groups gnomAD compares: Non-Finnish European, 0.0029%; no homozygotes.

Submission:

PreventionGenetics, part of Exact Sciences
Classification: Uncertain significance for TP63-related condition. Last evaluated: 2026-04-28. Review status: criteria provided, single submitter. Criteria: ACMG Guidelines, 2015. Collection method: clinical testing. Allele origin: germline.
Comment: The TP63 c.47G>A variant is predicted to result in the amino acid substitution p.Gly16Glu. To our knowledge, this variant has not been reported in the literature. This variant is reported in 0.0065% of alleles in individuals of European (Non-Finnish) descent in gnomAD. At this time, the clinical significance of this variant is uncertain due to the absence of conclusive functional and genetic evidence.

NM_001329964.2(TP63):c.47G>A (p.Gly16Glu)

Gene: TP63 (tumor protein p63; plus strand). Cytogenetic location: 3q28.
Variant type: single nucleotide variant.
Coding change: c.47G>A on transcript NM_001329964.2; coding-DNA position 47, G replaced by A.
Protein change: p.Gly16Glu; replaces glycine 16 with glutamic acid.
Molecular consequence: missense variant.
Genome position (GRCh38, 1-based): chr3:189,597,229, G>A. VCF-style: chr3-189597229-G-A. GRCh37 (hg19) VCF-style: chr3-189315018-G-A.
Other names: short protein forms G16E.
Identifiers: ClinVar variation 4986701 (VCV004986701.1).